The following is an entry in ClinVar:

NM_000268.4(NF2):c.476A>T (p.Lys159Met)

Gene: NF2 (NF2, moesin-ezrin-radixin like (MERLIN) tumor suppressor; plus strand). Cytogenetic location: 22q12.2.
Variant type: single nucleotide variant.
Coding change: c.476A>T on transcript NM_000268.4 (MANE Select); coding-DNA position 476, A replaced by T.
Protein change: p.Lys159Met; replaces lysine 159 with methionine.
Molecular consequence: missense variant. On other transcripts: 5 prime UTR variant (1), intron variant (1).
Genome position (GRCh38, 1-based): chr22:29,654,685, A>T. VCF-style: chr22-29654685-A-T. GRCh37 (hg19) VCF-style: chr22-30050674-A-T.
Other names: c.362A>T, p.Lys121Met (NM_001407053.1, NM_001407056.1); c.353A>T, p.Lys118Met (NM_001407054.1, NM_001407058.1, NM_001407062.1 and 1 more transcripts); c.350A>T, p.Lys117Met (NM_001407055.1, NM_181828.3); c.476A>T, p.Lys159Met (NM_001407057.1, NM_001407059.1, NM_001407060.1 and 4 more transcripts); c.227A>T, p.Lys76Met (NM_001407063.1, NM_001407064.1, NM_181830.3 and 1 more transcripts); c.-165A>T (NM_001407065.1); c.245A>T, p.Lys82Met (NM_001407067.1); c.447+12400A>T (NM_181833.3); short protein forms K117M, K159M, K118M, K121M, K82M, K76M.
Identifiers: ClinVar variation 3299406 (VCV003299406.1).

ClinVar aggregate classification (germline): Uncertain significance (1 of 4 stars; one submission).

Conditions:
Hereditary cancer-predisposing syndrome. Also called: Tumor predisposition; Hereditary Cancer Syndrome; Hereditary neoplastic syndrome; Neoplastic Syndromes, Hereditary. Identifiers: Orphanet 140162, MedGen C0027672, MeSH D009386, MONDO:0015356.

Submission:

Ambry Genetics
Classification: Uncertain significance for Hereditary cancer-predisposing syndrome. Last evaluated: 2024-05-31. Review status: criteria provided, single submitter. Criteria: Ambry Variant Classification Scheme 2023. Collection method: clinical testing. Allele origin: germline.
Comment: The p.K159M variant (also known as c.476A>T), located in coding exon 5 of the NF2 gene, results from an A to T substitution at nucleotide position 476. The lysine at codon 159 is replaced by methionine, an amino acid with similar properties. This amino acid position is conserved. In addition, the in silico prediction for this alteration is inconclusive. Based on the available evidence, the clinical significance of this variant remains unclear.